The following is an entry in ClinVar:

ClinVar aggregate classification (germline): Uncertain significance (1 of 4 stars; one submission).

gnomAD v4.1: 20 of 1,604,394 alleles (0.0012%); highest among the groups gnomAD compares: Non-Finnish European, 0.0016%; no homozygotes.

Submission:

GeneDx
Classification: Uncertain significance. Last evaluated: 2024-06-12. Review status: criteria provided, single submitter. Criteria: GeneDx Variant Classification Process June 2021. Collection method: clinical testing. Allele origin: germline. Affected: yes.
Comment: Not observed at significant frequency in large population cohorts (gnomAD); In silico analysis indicates that this missense variant does not alter protein structure/function; Has not been previously published as pathogenic or benign to our knowledge

NM_024854.5(PYROXD1):c.259G>A (p.Val87Ile)

Gene: PYROXD1 (pyridine nucleotide-disulphide oxidoreductase domain 1; plus strand). Cytogenetic location: 12p12.1.
Variant type: single nucleotide variant.
Coding change: c.259G>A on transcript NM_024854.5 (MANE Select); coding-DNA position 259, G replaced by A.
Protein change: p.Val87Ile; replaces valine 87 with isoleucine.
Molecular consequence: missense variant. On other transcripts: 5 prime UTR variant (1).
Genome position (GRCh38, 1-based): chr12:21,445,440, G>A. VCF-style: chr12-21445440-G-A. GRCh37 (hg19) VCF-style: chr12-21598374-G-A.
Other names: c.46G>A, p.Val16Ile (NM_001350912.2); c.-445G>A (NM_001350913.2); short protein forms V16I, V87I.
Identifiers: ClinVar variation 3390826 (VCV003390826.1).